The following is an entry in ClinVar:

ClinVar aggregate classification (germline): Uncertain significance (1 of 4 stars; one submission).

Conditions:
Polycystic kidney disease, adult type (PKD1). Also called: POLYCYSTIC KIDNEY DISEASE, ADULT, TYPE I; Polycystic Kidney Disease 1, Autosomal Dominant; Polycystic kidney disease 1; Polycystic kidney disease 1, severe; Polycystic Kidney, Autosomal Dominant; POLYCYSTIC KIDNEY DISEASE 1 WITH OR WITHOUT POLYCYSTIC LIVER DISEASE. Identifiers: MedGen C3149841, MONDO:0008263, OMIM 173900.

Submission:

Juno Genomics, Hangzhou Juno Genomics, Inc
Classification: Uncertain significance for Polycystic kidney disease, adult type. Review status: criteria provided, single submitter. Criteria: ACMG Guidelines, 2015. Collection method: clinical testing. Allele origin: germline. Affected: yes.
Comment: Absent from controls (or at extremely low frequency if recessive) in Genome Aggregation Database, Exome Sequencing Project, 1000 Genomes Project, or Exome Aggregation Consortium.;Multiple lines of computational evidence support a deleterious effect on the gene or gene product (conservation, evolutionary, splicing impact, etc).;Patient's phenotype or family history is highly specific for a disease with a single genetic etiology.

NM_001009944.3(PKD1):c.4303T>G (p.Tyr1435Asp)

Gene: PKD1 (polycystin 1, transient receptor potential channel interacting; minus strand). Cytogenetic location: 16p13.3.
Variant type: single nucleotide variant.
Coding change: c.4303T>G on transcript NM_001009944.3 (MANE Select); coding-DNA position 4303, T replaced by G.
Protein change: p.Tyr1435Asp; replaces tyrosine 1435 with aspartic acid.
Molecular consequence: missense variant.
Genome position (GRCh38, 1-based): chr16:2,110,864, A>C on the plus strand (T>G on the coding strand, the complement: PKD1 is on the minus strand). VCF-style: chr16-2110864-A-C. GRCh37 (hg19) VCF-style: chr16-2160865-A-C.
Other names: c.4303T>G, p.Tyr1435Asp (NM_000296.4); short protein forms Y1435D.
Identifiers: ClinVar variation 3382443 (VCV003382443.2).
Genomic context (GRCh38, chr16:2,110,864, plus strand): 5'-TGGCAGCAGAGATGTTGTTGGACGCGGTGACTGTCACAAGATAGGAGCCTGGGTCTCGGT[A>C]GATGAACGTCACCTCAGGGCCCCTGGCACGGGTGGGGGCGGCTTCCTCGGTGCCAAAGTC-3'
Protein context (NP_001009944.3, residues 1425-1445): RARGPEVTFI[Tyr1435Asp]RDPGSYLVTV